The following is an entry in ClinVar:

NM_004655.4(AXIN2):c.816-168C>T

Gene: AXIN2 (axin 2; minus strand). Cytogenetic location: 17q24.1.
Variant type: single nucleotide variant.
Coding change: c.816-168C>T on transcript NM_004655.4 (MANE Select); 168 bases into the intron before coding-DNA position 816, C replaced by T.
Molecular consequence: intron variant.
Genome position (GRCh38, 1-based): chr17:65,549,828, G>A on the plus strand (C>T on the coding strand, the complement: AXIN2 is on the minus strand). VCF-style: chr17-65549828-G-A. GRCh37 (hg19) VCF-style: chr17-63545946-G-A.
Other names: c.816-168C>T (NM_001363813.1).
Identifiers: ClinVar variation 679666 (VCV000679666.1), dbSNP rs35759823, ClinGen allele CA293103868.

ClinVar aggregate classification (germline): Benign (1 of 4 stars; one submission).

Allele frequency attached by ClinVar (database versions not stated): gnomAD 0.06266 and 0.06268; TOPMed 0.06681; 1000 Genomes Project 0.08506; 1000 Genomes Project 30x 0.08682.
gnomAD v4.1: 9,479 of 152,124 alleles (6.2%); highest among the groups gnomAD compares: African/African-American, 14%; 497 homozygotes.

Submission:

GeneDx
Classification: Benign. Last evaluated: 2018-06-15. Review status: criteria provided, single submitter. Criteria: GeneDx Variant Classification (06012015). Collection method: clinical testing. Allele origin: germline. Affected: yes.
Comment: This variant is considered likely benign or benign based on one or more of the following criteria: it is a conservative change, it occurs at a poorly conserved position in the protein, it is predicted to be benign by multiple in silico algorithms, and/or has population frequency not consistent with disease.